The following is an entry in ClinVar:

NM_003982.4(SLC7A7):c.857A>G (p.Asp286Gly)

Gene: SLC7A7 (solute carrier family 7 member 7; minus strand). Cytogenetic location: 14q11.2.
Variant type: single nucleotide variant.
Coding change: c.857A>G on transcript NM_003982.4 (MANE Select); coding-DNA position 857, A replaced by G.
Protein change: p.Asp286Gly; replaces aspartic acid 286 with glycine.
Molecular consequence: missense variant.
Genome position (GRCh38, 1-based): chr14:22,776,232, T>C on the plus strand (A>G on the coding strand, the complement: SLC7A7 is on the minus strand). VCF-style: chr14-22776232-T-C. GRCh37 (hg19) VCF-style: chr14-23245441-T-C.
Other names: c.857A>G, p.Asp286Gly (NM_001126105.3, NM_001126106.4); short protein forms D286G.
Identifiers: ClinVar variation 1432052 (VCV001432052.3), dbSNP rs777555880, ClinGen allele CA7104573.

ClinVar aggregate classification (germline): Uncertain significance (1 of 4 stars; one submission).

Conditions:
Lysinuric protein intolerance (LPI). Identifiers: Orphanet 470, MedGen C0268647, MONDO:0009109, OMIM 222700.

Allele frequency attached by ClinVar (database versions not stated): ExAC 0.00001; gnomAD 0.00001; gnomAD exomes 0.00001; TOPMed 0.00001.
gnomAD v4.1: 18 of 1,614,104 alleles (0.0011%); highest among the groups gnomAD compares: Non-Finnish European, 0.0014%; no homozygotes.

Submission:

Labcorp Genetics (formerly Invitae), Labcorp
Classification: Uncertain significance for Lysinuric protein intolerance. Last evaluated: 2021-11-19. Review status: criteria provided, single submitter. Criteria: Invitae Variant Classification Sherloc (09022015). Collection method: clinical testing. Allele origin: germline.
Comment: This sequence change replaces aspartic acid, which is acidic and polar, with glycine, which is neutral and non-polar, at codon 286 of the SLC7A7 protein (p.Asp286Gly). This variant is present in population databases (rs777555880, gnomAD 0.002%). This variant has not been reported in the literature in individuals affected with SLC7A7-related conditions. Algorithms developed to predict the effect of missense changes on protein structure and function (SIFT, PolyPhen-2, Align-GVGD) all suggest that this variant is likely to be tolerated. In summary, the available evidence is currently insufficient to determine the role of this variant in disease. Therefore, it has been classified as a Variant of Uncertain Significance.